The following is an entry in ClinVar:

ClinVar aggregate classification (germline): Uncertain significance (1 of 4 stars; one submission).

Submission:

Labcorp Genetics (formerly Invitae), Labcorp
Classification: Uncertain significance. Last evaluated: 2023-08-24. Review status: criteria provided, single submitter. Criteria: Invitae Variant Classification Sherloc (09022015). Collection method: clinical testing. Allele origin: germline.
Comment: This variant has not been reported in the literature in individuals affected with ALPK1-related conditions. This variant is not present in population databases (gnomAD no frequency). This sequence change replaces glycine, which is neutral and non-polar, with cysteine, which is neutral and slightly polar, at codon 335 of the ALPK1 protein (p.Gly335Cys). Advanced modeling of protein sequence and biophysical properties (such as structural, functional, and spatial information, amino acid conservation, physicochemical variation, residue mobility, and thermodynamic stability) performed at Invitae indicates that this missense variant is expected to disrupt ALPK1 protein function. In summary, the available evidence is currently insufficient to determine the role of this variant in disease. Therefore, it has been classified as a Variant of Uncertain Significance.

NM_025144.4(ALPK1):c.1003G>T (p.Gly335Cys)

Gene: ALPK1 (alpha kinase 1; plus strand). Cytogenetic location: 4q25.
Variant type: single nucleotide variant.
Coding change: c.1003G>T on transcript NM_025144.4 (MANE Select); coding-DNA position 1003, G replaced by T.
Protein change: p.Gly335Cys; replaces glycine 335 with cysteine.
Molecular consequence: missense variant.
Genome position (GRCh38, 1-based): chr4:112,430,550, G>T. VCF-style: chr4-112430550-G-T. GRCh37 (hg19) VCF-style: chr4-113351706-G-T.
Other names: c.1003G>T, p.Gly335Cys (NM_001102406.2); c.769G>T, p.Gly257Cys (NM_001253884.2); short protein forms G257C, G335C.
Identifiers: ClinVar variation 2754887 (VCV002754887.3), dbSNP rs2476502508, ClinGen allele CA357892996.